The following is an entry in ClinVar:

ClinVar aggregate classification (germline): Uncertain significance (1 of 4 stars; one submission).

Conditions:
Hereditary breast ovarian cancer syndrome. Also called: Breast and ovarian cancer; Hereditary breast and ovarian cancer syndrome; Hereditary breast and ovarian cancer syndrome (HBOC); BRCA1- and BRCA2-Associated Hereditary Breast and Ovarian Cancer; Hereditary breast and/or ovarian cancer syndrome; Hereditary breast and ovarian cancer. Identifiers: Orphanet 145, MedGen C0677776, MeSH D061325, MONDO:0003582. Disease mechanism: loss of function.

Submission:

Labcorp Genetics (formerly Invitae), Labcorp
Classification: Uncertain significance for Hereditary breast ovarian cancer syndrome. Last evaluated: 2025-04-27. Review status: criteria provided, single submitter. Criteria: Invitae Variant Classification Sherloc (09022015). Collection method: clinical testing. Allele origin: germline.
Comment: This sequence change replaces serine, which is neutral and polar, with asparagine, which is neutral and polar, at codon 3284 of the BRCA2 protein (p.Ser3284Asn). This variant is not present in population databases (gnomAD no frequency). This variant has not been reported in the literature in individuals affected with BRCA2-related conditions. Invitae Evidence Modeling of protein sequence and biophysical properties (such as structural, functional, and spatial information, amino acid conservation, physicochemical variation, residue mobility, and thermodynamic stability) indicates that this missense variant is not expected to disrupt BRCA2 protein function with a negative predictive value of 95%. In summary, the available evidence is currently insufficient to determine the role of this variant in disease. Therefore, it has been classified as a Variant of Uncertain Significance.

NM_000059.4(BRCA2):c.9851G>A (p.Ser3284Asn)

Gene: BRCA2 (BRCA2 DNA repair associated; plus strand). Cytogenetic location: 13q13.1.
Variant type: single nucleotide variant.
Coding change: c.9851G>A on transcript NM_000059.4 (MANE Select); coding-DNA position 9851, G replaced by A.
Protein change: p.Ser3284Asn; replaces serine 3284 with asparagine.
Molecular consequence: missense variant. On other transcripts: non-coding transcript variant (1).
Genome position (GRCh38, 1-based): chr13:32,398,364, G>A. VCF-style: chr13-32398364-G-A. GRCh37 (hg19) VCF-style: chr13-32972501-G-A.
Other names: c.9755G>A, p.Ser3252Asn (NM_001406719.1); c.9800G>A, p.Ser3267Asn (NM_001406720.1); c.4919G>A, p.Ser1640Asn (NM_001406721.1); c.3434G>A, p.Ser1145Asn (NM_001406722.1); c.9851G>A, p.Ser3284Asn (NM_001432077.1); short protein forms S3267N, S1640N, S3252N, S1145N, S3284N.
Identifiers: ClinVar variation 4772038 (VCV004772038.1).
Genomic context (GRCh38, chr13:32,398,364, plus strand): 5'-ACTGCAAAAAGAGAAGAGCCTTGGATTTCTTGAGTAGACTGCCTTTACCTCCACCTGTTA[G>A]TCCCATTTGTACATTTGTTTCTCCGGCTGCACAGAAGGCATTTCAGCCACCAAGGAGTTG-3'
Protein context (NP_000050.3, residues 3274-3294): LSRLPLPPPV[Ser3284Asn]PICTFVSPAA